The following is an entry in ClinVar:

NM_001083603.3(PTCH1):c.149GAG[1] (p.Gly51del)

Gene: PTCH1 (patched 1; minus strand). Cytogenetic location: 9q22.32.
Variant type: Microsatellite.
Coding change: c.149GAG[1] on transcript NM_001083603.3 (MANE Plus Clinical); one copy of the 3-base unit GAG starting at c.149; the reference has two copies in a row; one copy, 3 bases deleted.
Protein change: p.Gly51del; deletes glycine 51.
Molecular consequence: inframe deletion. On other transcripts: 5 prime UTR variant (2).
Genome position (GRCh38, 1-based): chr9:95,516,667-95,516,669, CTC deleted on the plus strand (GAG on the coding strand, the reverse complement: PTCH1 is on the minus strand); deleting any 3 consecutive bases within chr9:95,516,667-95,516,673 gives the same sequence; the position shown is the placement nearest the transcript's 3' end. VCF-style (leftmost placement, unchanged base first): chr9-95516666-TCTC-T. GRCh37 (hg19) VCF-style: chr9-98278948-TCTC-T.
Other names: c.-201GAG[1] (NM_001083602.3, NM_001354919.2); short protein forms G51del.
Identifiers: ClinVar variation 2659324 (VCV002659324.23), dbSNP rs768534900, ClinGen allele CA5139096.

ClinVar aggregate classification (germline): Likely benign. Review status: criteria provided, single submitter (1 of 4 stars). 2 submissions from 2 submitters: Likely benign (1). 1 of the submissions does not count toward it. Last evaluated 2023-02-01.

Conditions:
PTCH1-related disorder. Also called: PTCH1-related disorders; PTCH1-related condition.

Submissions (2):

CeGaT Center for Human Genetics Tuebingen
Classification: Likely benign. Last evaluated: 2023-02-01. Review status: criteria provided, single submitter. Criteria: CeGaT Center For Human Genetics Tuebingen Variant Classification Criteria Version 2. Collection method: clinical testing. Allele origin: germline. Affected: yes. Observed: 1 variant allele.
Comment: PTCH1: BS1

PreventionGenetics, part of Exact Sciences
Classification: Likely benign for PTCH1-related condition. Last evaluated: 2020-08-14. Review status: no assertion criteria provided. Collection method: clinical testing. Allele origin: germline. Not counted in ClinVar's aggregate classification.
Comment: This variant is classified as likely benign based on ACMG/AMP sequence variant interpretation guidelines (Richards et al. 2015 PMID: 25741868, with internal and published modifications).